The following is an entry in ClinVar:

ClinVar aggregate classification (germline): Pathogenic/Likely pathogenic. Review status: criteria provided, multiple submitters, no conflicts (2 of 4 stars). 3 submissions from 3 submitters: Pathogenic (1); Likely pathogenic (2). Last evaluated 2025-06-08.

Conditions:
Maple syrup urine disease (MSUD). Identifiers: Orphanet 511, MedGen C0024776, MeSH D008375, MONDO:0009563. Disease mechanism: loss of function.
Maple syrup urine disease type 1A (MSUD1A). Also called: MSUD type 1A. Identifiers: MedGen C1855369, MONDO:0023691, OMIM 248600.

Allele frequency attached by ClinVar (database versions not stated): ExAC 0.00001; gnomAD exomes 0.00001; ESP Exome Variant Server 0.00008.

Submissions (3):

Natera, Inc.
Classification: Likely pathogenic for Maple syrup urine disease type 1A. Last evaluated: 2025-06-08. Review status: criteria provided, single submitter. Criteria: Natera Variant Classification Schema (03/2026). Collection method: clinical testing. Allele origin: germline.
Comment: The c.835del variant in BCKDHA is a frameshift variant predicted to shift the reading frame beginning at codon 279 and leads to a stop codon 51 codons downstream. This variant is expected to result in nonsense mediated decay, truncation, or a dysfunctional protein product. This variant is rare in the general population with a frequency below the threshold expected for the associated phenotype(s). Given the available evidence, this variant is classified as Likely Pathogenic.

Labcorp Genetics (formerly Invitae), Labcorp
Classification: Pathogenic for Maple syrup urine disease. Last evaluated: 2022-07-23. Review status: criteria provided, single submitter. Criteria: Invitae Variant Classification Sherloc (09022015). Collection method: clinical testing. Allele origin: germline.
Comment: This sequence change creates a premature translational stop signal (p.Tyr279Ilefs*51) in the BCKDHA gene. It is expected to result in an absent or disrupted protein product. Loss-of-function variants in BCKDHA are known to be pathogenic (PMID: 16786533, 22593002). This variant is present in population databases (rs755451300, gnomAD 0.0009%). This variant has not been reported in the literature in individuals affected with BCKDHA-related conditions. For these reasons, this variant has been classified as Pathogenic.

Baylor Genetics
Classification: Likely pathogenic for Maple syrup urine disease type 1A. Last evaluated: 2022-05-13. Review status: criteria provided, single submitter. Criteria: ACMG Guidelines, 2015. Collection method: clinical testing. Allele origin: unknown.

Literature cited by the submitters: PubMed 16786533 (cited by Labcorp Genetics (formerly Invitae), Labcorp); PubMed 22593002 (cited by Labcorp Genetics (formerly Invitae), Labcorp).

NM_000709.4(BCKDHA):c.835del (p.Tyr279fs)

Gene: BCKDHA (branched chain keto acid dehydrogenase E1 subunit alpha; plus strand). Cytogenetic location: 19q13.2.
Variant type: Deletion.
Coding change: c.835del on transcript NM_000709.4 (MANE Select); coding-DNA position 835, one base deleted (T; older notation c.835delT).
Protein change: p.Tyr279fs; shifts the reading frame from tyrosine 279.
Molecular consequence: frameshift variant.
Genome position (GRCh38, 1-based): chr19:41,422,352, T deleted. VCF-style (leftmost placement, unchanged base first): chr19-41422351-GT-G. GRCh37 (hg19) VCF-style: chr19-41928256-GT-G.
Other names: c.835del, p.Tyr279fs (NM_001164783.2); c.835del (NM_000709.3); short protein forms Y279fs.
Identifiers: ClinVar variation 2157299 (VCV002157299.6), dbSNP rs755451300, ClinGen allele CA9461266.
Genomic context (GRCh38, chr19:41,422,351, plus strand): 5'-CCCCATCATCTTCTTCTGCCGGAACAATGGCTACGCCATCTCCACGCCCACCTCTGAGCA[GT>G]ATCGCGGCGATGGCATTGGTATGGGCTCTGCTGGCTGCTCCCCACCCCGCTGGGATCATC-3'